The following is an entry in ClinVar:

ClinVar aggregate classification (germline): Benign/Likely benign. Review status: criteria provided, multiple submitters, no conflicts (2 of 4 stars). 3 submissions from 3 submitters: Benign (1); Likely benign (2). Last evaluated 2026-08-03.

Conditions:
Familial colorectal cancer type X. Identifiers: Orphanet 440437, MedGen C3896578, MONDO:0018604.

Submissions (3):

Myriad Genetics, Inc.
Classification: Benign for Familial colorectal cancer type X. Last evaluated: 2026-08-03. Review status: criteria provided, single submitter. Criteria: Myriad Autosomal Dominant, Autosomal Recessive and X-Linked Classification Criteria (2023). Collection method: clinical testing. Allele origin: unknown.
Comment: This variant is considered benign. This variant is a silent/synonymous amino acid change and it is not expected to impact splicing.

Labcorp Genetics (formerly Invitae), Labcorp
Classification: Likely benign. Last evaluated: 2025-01-12. Review status: criteria provided, single submitter. Criteria: Invitae Variant Classification Sherloc (09022015). Collection method: clinical testing. Allele origin: germline.

Ambry Genetics
Classification: Likely benign. Last evaluated: 2022-11-10. Review status: criteria provided, single submitter. Criteria: Ambry Variant Classification Scheme 2023. Collection method: clinical testing. Allele origin: germline.

NM_001023.4(RPS20):c.81C>T (p.Arg27=)

Gene: RPS20 (ribosomal protein S20; minus strand). Cytogenetic location: 8q12.1.
Variant type: single nucleotide variant.
Coding change: c.81C>T on transcript NM_001023.4 (MANE Select); coding-DNA position 81, C replaced by T.
Protein change: p.Arg27=; no amino-acid change (arginine 27 retained).
Molecular consequence: synonymous variant.
Genome position (GRCh38, 1-based): chr8:56,074,082, G>A on the plus strand (C>T on the coding strand, the complement: RPS20 is on the minus strand). VCF-style: chr8-56074082-G-A. GRCh37 (hg19) VCF-style: chr8-56986641-G-A.
Other names: c.81C>T (NM_001023.3); c.81C>T, p.Arg27= (NM_001146227.3).
Identifiers: ClinVar variation 1003453 (VCV001003453.10), dbSNP rs1809854277, ClinGen allele CA461101600.